The following is an entry in ClinVar:

NM_001384140.1(PCDH15):c.4671+1224G>A

Gene: PCDH15 (protocadherin related 15; minus strand). Cytogenetic location: 10q21.1.
Variant type: single nucleotide variant.
Coding change: c.4671+1224G>A on transcript NM_001384140.1 (MANE Select); 1224 bases into the intron after coding-DNA position 4671, G replaced by A.
Molecular consequence: intron variant. On other transcripts: missense variant (2), 3 prime UTR variant (1).
Genome position (GRCh38, 1-based): chr10:53,809,332, C>T on the plus strand (G>A on the coding strand, the complement: PCDH15 is on the minus strand). VCF-style: chr10-53809332-C-T. GRCh37 (hg19) VCF-style: chr10-55569092-C-T.
Other names: c.4733G>A, p.Arg1578His (NM_001142769.4); c.*148G>A (NM_001142770.3); c.4712G>A, p.Arg1571His (NM_001354411.2); c.4476+1224G>A (NM_001354420.2); c.4605+1224G>A (NM_001354429.2); c.4482+1224G>A (NM_001142772.2); c.4497+1224G>A (NM_001142771.2); short protein forms R1571H, R1578H.
Identifiers: ClinVar variation 4627040 (VCV004627040.2).

ClinVar aggregate classification (germline): Uncertain significance. Review status: criteria provided, multiple submitters, no conflicts (2 of 4 stars). 2 submissions from 2 submitters: Uncertain significance (2). Last evaluated 2026-09-18.

Conditions:
PCDH15-related disorder. Also called: PCDH15-related condition; PCDH15-related disorders.
Inborn genetic diseases. Identifiers: MedGen C0950123, MeSH D030342.

gnomAD v4.1: 80 of 1,613,192 alleles (0.005%); highest among the groups gnomAD compares: Admixed American, 0.042%; no homozygotes.

Submissions (2):

PreventionGenetics, part of Exact Sciences
Classification: Uncertain significance for PCDH15-related condition. Last evaluated: 2026-09-18. Review status: criteria provided, single submitter. Criteria: ACMG Guidelines, 2015. Collection method: clinical testing. Allele origin: germline.
Comment: The PCDH15 c.4733G>A variant is predicted to result in the amino acid substitution p.Arg1578His. To our knowledge, this variant has not been reported in the literature. This variant is present in 0.058% of alleles in individuals of Latino descent in gnomAD. At this time, the clinical significance of this variant is uncertain due to the absence of conclusive functional and genetic evidence.

Ambry Genetics
Classification: Uncertain significance for Inborn genetic diseases. Last evaluated: 2025-12-11. Review status: criteria provided, single submitter. Criteria: Ambry Variant Classification Scheme 2023. Collection method: clinical testing. Allele origin: germline.